The following is an entry in ClinVar:

NM_001927.4(DES):c.193G>C (p.Gly65Arg)

Gene: DES (desmin; plus strand). Cytogenetic location: 2q35.
Variant type: single nucleotide variant.
Coding change: c.193G>C on transcript NM_001927.4 (MANE Select); coding-DNA position 193, G replaced by C.
Protein change: p.Gly65Arg; replaces glycine 65 with arginine.
Molecular consequence: missense variant.
Genome position (GRCh38, 1-based): chr2:219,418,655, G>C. VCF-style: chr2-219418655-G-C. GRCh37 (hg19) VCF-style: chr2-220283377-G-C.
Other names: c.193G>C, p.Gly65Arg (NM_001382708.1, NM_001382709.1, NM_001382710.1 and 3 more transcripts); short protein forms G65R.
Identifiers: ClinVar variation 1783036 (VCV001783036.4), dbSNP rs397516692, ClinGen allele CA350683783.
Genomic context (GRCh38, chr2:219,418,655, plus strand): 5'-TCCTCCAGCTCGGTGACGTCCCGCGTGTACCAGGTGTCGCGCACGTCGGGCGGGGCCGGG[G>C]GCCTGGGGTCGCTGCGGGCCAGCCGGCTGGGGACCACCCGCACGCCCTCCTCCTACGGCG-3'
Protein context (NP_001918.3, residues 55-75): QVSRTSGGAG[Gly65Arg]LGSLRASRLG

ClinVar aggregate classification (germline): Uncertain significance. Review status: criteria provided, multiple submitters, no conflicts (2 of 4 stars). 2 submissions from 2 submitters: Uncertain significance (2). Last evaluated 2024-05-25.

Conditions:
Cardiovascular phenotype. Identifiers: MedGen CN230736.
Desmin-related myofibrillar myopathy (MFM1). Also called: Desminopathy; Desmin related myopathy (former name); Desmin storage myopathy (former name); MYOFIBRILLAR MYOPATHY WITH ARRHYTHMOGENIC RIGHT VENTRICULAR CARDIOMYOPATHY; DESMIN-RELATED MYOPATHY WITH ARRHYTHMOGENIC RIGHT VENTRICULAR CARDIOMYOPATHY; Myofibrillar myopathy 1. Identifiers: Orphanet 363543, Orphanet 98909, MedGen C1832370, MONDO:0011076, OMIM 601419.

Submissions (2):

Labcorp Genetics (formerly Invitae), Labcorp
Classification: Uncertain significance for Desmin-related myofibrillar myopathy. Last evaluated: 2024-05-25. Review status: criteria provided, single submitter. Criteria: Invitae Variant Classification Sherloc (09022015). Collection method: clinical testing. Allele origin: germline.
Comment: This sequence change replaces glycine, which is neutral and non-polar, with arginine, which is basic and polar, at codon 65 of the DES protein (p.Gly65Arg). This variant is not present in population databases (gnomAD no frequency). This variant has not been reported in the literature in individuals affected with DES-related conditions. ClinVar contains an entry for this variant (Variation ID: 1783036). Advanced modeling of protein sequence and biophysical properties (such as structural, functional, and spatial information, amino acid conservation, physicochemical variation, residue mobility, and thermodynamic stability) performed at Invitae indicates that this missense variant is not expected to disrupt DES protein function with a negative predictive value of 80%. In summary, the available evidence is currently insufficient to determine the role of this variant in disease. Therefore, it has been classified as a Variant of Uncertain Significance.

Ambry Genetics
Classification: Uncertain significance for Cardiovascular phenotype. Last evaluated: 2022-03-28. Review status: criteria provided, single submitter. Criteria: Ambry Variant Classification Scheme 2023. Collection method: clinical testing. Allele origin: germline.
Comment: The p.G65R variant (also known as c.193G>C), located in coding exon 1 of the DES gene, results from a G to C substitution at nucleotide position 193. The glycine at codon 65 is replaced by arginine, an amino acid with dissimilar properties. This amino acid position is well conserved in available vertebrate species. In addition, the in silico prediction for this alteration is inconclusive. Since supporting evidence is limited at this time, the clinical significance of this alteration remains unclear.